The following is an entry in ClinVar:

ClinVar aggregate classification (germline): Uncertain significance (1 of 4 stars; one submission).

Conditions:
Myasthenic syndrome, congenital, 22 (CMS22). Also called: PREPL DEFICIENCY. Identifiers: MedGen C4479088, MONDO:0044299, OMIM 616224.

Submission:

Labcorp Genetics (formerly Invitae), Labcorp
Classification: Uncertain significance for Myasthenic syndrome, congenital, 22. Last evaluated: 2021-09-20. Review status: criteria provided, single submitter. Criteria: Invitae Variant Classification Sherloc (09022015). Collection method: clinical testing. Allele origin: germline.
Comment: In summary, the available evidence is currently insufficient to determine the role of this variant in disease. Therefore, it has been classified as a Variant of Uncertain Significance. This sequence change replaces isoleucine with valine at codon 187 of the PREPL protein (p.Ile187Val). The isoleucine residue is weakly conserved and there is a small physicochemical difference between isoleucine and valine. This variant is not present in population databases (ExAC no frequency). This variant has not been reported in the literature in individuals affected with PREPL-related conditions. Algorithms developed to predict the effect of missense changes on protein structure and function output the following: SIFT: "Tolerated"; PolyPhen-2: "Benign"; Align-GVGD: "Class C0". The valine amino acid residue is found in multiple mammalian species, which suggests that this missense change does not adversely affect protein function.

NM_001171613.2(PREPL):c.292A>G (p.Ile98Val)

Gene: PREPL (prolyl endopeptidase like; minus strand). Cytogenetic location: 2p21.
Variant type: single nucleotide variant.
Coding change: c.292A>G on transcript NM_001171613.2 (MANE Select); coding-DNA position 292, A replaced by G.
Protein change: p.Ile98Val; replaces isoleucine 98 with valine.
Molecular consequence: missense variant.
Genome position (GRCh38, 1-based): chr2:44,343,802, T>C on the plus strand (A>G on the coding strand, the complement: PREPL is on the minus strand). VCF-style: chr2-44343802-T-C. GRCh37 (hg19) VCF-style: chr2-44570941-T-C.
Other names: c.559A>G, p.Ile187Val (NM_001042385.2, NM_001042386.2, NM_001171603.1 and 4 more transcripts); c.292A>G, p.Ile98Val (NM_001171617.1, NM_001374277.1); short protein forms I187V, I98V.
Identifiers: ClinVar variation 1368754 (VCV001368754.6), dbSNP rs2103985444, ClinGen allele CA346693351.
Genomic context (GRCh38, chr2:44,343,802, plus strand): 5'-TACCAAAACTGGACACATTCGGGAAAGAAGCTTCCATTACGGGCTGATCGCTGAGCTTTA[T>C]AATTACACAGGTAGATGCTTCAGAATCTTCAGTTCTTATCTTGGCAGCCACATATTTTTC-3'
Protein context (NP_001165084.1, residues 88-108): EDSEASTCVI[Ile98Val]KLSDQPVMEA